The following is an entry in ClinVar:

ClinVar aggregate classification (germline): Uncertain significance (1 of 4 stars; one submission).

Conditions:
Charcot-Marie-Tooth disease axonal type 2V. Also called: CHARCOT-MARIE-TOOTH NEUROPATHY, TYPE 2V; CHARCOT-MARIE-TOOTH DISEASE, AXONAL, AUTOSOMAL DOMINANT, TYPE 2V. Identifiers: Orphanet 447964, MedGen C5569050, MONDO:0014665, OMIM 616491.
Mucopolysaccharidosis, MPS-III-B (MPS3B). Also called: MPS IIIB (Sanfilippo Syndrome Type B); N-ACETYL-ALPHA-D-GLUCOSAMINIDASE DEFICIENCY; NAGLU DEFICIENCY; MUCOPOLYSACCHARIDOSIS, TYPE IIIB; Mucopolysaccharidosis type IIIB (Sanfilippo B); SANFILIPPO SYNDROME B. Identifiers: Orphanet 79270, MedGen C0086648, MONDO:0009656, OMIM 252920.

Allele frequency attached by ClinVar (database versions not stated): TOPMed 0.00001.
gnomAD v4.1: 2 of 1,599,398 alleles (0.00013%); highest among the groups gnomAD compares: East Asian, 0.0023%; no homozygotes.

Submission:

Labcorp Genetics (formerly Invitae), Labcorp
Classification: Uncertain significance for Charcot-Marie-Tooth disease axonal type 2V; Mucopolysaccharidosis, MPS-III-B. Last evaluated: 2022-11-22. Review status: criteria provided, single submitter. Criteria: Invitae Variant Classification Sherloc (09022015). Collection method: clinical testing. Allele origin: germline.
Comment: In summary, the available evidence is currently insufficient to determine the role of this variant in disease. Therefore, it has been classified as a Variant of Uncertain Significance. Algorithms developed to predict the effect of missense changes on protein structure and function output the following: SIFT: "Tolerated"; PolyPhen-2: "Benign"; Align-GVGD: "Class C0". The glutamine amino acid residue is found in multiple mammalian species, which suggests that this missense change does not adversely affect protein function. ClinVar contains an entry for this variant (Variation ID: 1363696). This variant has not been reported in the literature in individuals affected with NAGLU-related conditions. This variant is not present in population databases (gnomAD no frequency). This sequence change replaces histidine, which is basic and polar, with glutamine, which is neutral and polar, at codon 487 of the NAGLU protein (p.His487Gln).

NM_000263.4(NAGLU):c.1461C>A (p.His487Gln)

Gene: NAGLU (N-acetyl-alpha-glucosaminidase; plus strand). Cytogenetic location: 17q21.2.
Variant type: single nucleotide variant.
Coding change: c.1461C>A on transcript NM_000263.4 (MANE Select); coding-DNA position 1461, C replaced by A.
Protein change: p.His487Gln; replaces histidine 487 with glutamine.
Molecular consequence: missense variant.
Genome position (GRCh38, 1-based): chr17:42,543,467, C>A. VCF-style: chr17-42543467-C-A. GRCh37 (hg19) VCF-style: chr17-40695485-C-A.
Other names: short protein forms H487Q.
Identifiers: ClinVar variation 1363696 (VCV001363696.8), dbSNP rs965655357, ClinGen allele CA290780560.